The following is an entry in ClinVar:

ClinVar aggregate classification (germline): Conflicting classifications of pathogenicity. Review status: criteria provided, conflicting classifications (1 of 4 stars). 3 submissions from 3 submitters: Uncertain significance (2); Benign (1). Last evaluated 2026-02-24.

Conditions:
Retinitis pigmentosa 73 (RP73). Identifiers: Orphanet 791, MedGen C4225287, MONDO:0014687, OMIM 616544.
Mucopolysaccharidosis, MPS-III-C (MPS3C). Also called: SANFILIPPO SYNDROME C; MPS III C; Mucopolysaccharidosis type IIIC (Sanfilippo C); MUCOPOLYSACCHARIDOSIS, TYPE IIIC; mucopolysaccharidosis type 3C; MPS IIIC (Sanfilippo Syndrome Type C). Identifiers: Orphanet 581, Orphanet 79271, MedGen C0086649, MONDO:0009657, OMIM 252930.
HGSNAT-related disorder. Also called: HGSNAT-related condition.
Inborn genetic diseases. Identifiers: MedGen C0950123, MeSH D030342.

Allele frequency attached by ClinVar (database versions not stated): TOPMed 0.00004; gnomAD 0.00008; 1000 Genomes Project 30x 0.00031; 1000 Genomes Project 0.00020; gnomAD exomes below 0.00001.
gnomAD v4.1: 12 of 1,040,666 alleles (0.0012%); highest among the groups gnomAD compares: African/African-American, 0.021%; no homozygotes.

Submissions (3):

PreventionGenetics, part of Exact Sciences
Classification: Uncertain significance for HGSNAT-related condition. Last evaluated: 2026-02-24. Review status: criteria provided, single submitter. Criteria: ACMG Guidelines, 2015. Collection method: clinical testing. Allele origin: germline.
Comment: The HGSNAT c.6C>A variant is predicted to result in the amino acid substitution p.Ser2Arg. To our knowledge, this variant has not been reported in the literature. This variant is reported in 0.012% of alleles in individuals of African descent in gnomAD. At this time, the clinical significance of this variant is uncertain due to the absence of conclusive functional and genetic evidence.

Labcorp Genetics (formerly Invitae), Labcorp
Classification: Benign for Retinitis pigmentosa 73; Mucopolysaccharidosis, MPS-III-C. Last evaluated: 2025-06-08. Review status: criteria provided, single submitter. Criteria: Invitae Variant Classification Sherloc (09022015). Collection method: clinical testing. Allele origin: germline.

Ambry Genetics
Classification: Uncertain significance for Inborn genetic diseases. Last evaluated: 2021-09-16. Review status: criteria provided, single submitter. Criteria: Ambry Variant Classification Scheme 2023. Collection method: clinical testing. Allele origin: germline.

NM_152419.3(HGSNAT):c.6C>A (p.Ser2Arg)

Genes: HGSNAT (heparan-alpha-glucosaminide N-acetyltransferase; plus strand), LOC130000316 (ATAC-STARR-seq lymphoblastoid silent region 19164; plus strand). Cytogenetic location: 8p11.21.
Variant type: single nucleotide variant.
Coding change: c.6C>A on transcript NM_152419.3 (MANE Select); coding-DNA position 6, C replaced by A.
Protein change: p.Ser2Arg; replaces serine 2 with arginine.
Molecular consequence: missense variant. On other transcripts: 5 prime UTR variant (1).
Genome position (GRCh38, 1-based): chr8:43,140,502, C>A. VCF-style: chr8-43140502-C-A. GRCh37 (hg19) VCF-style: chr8-42995645-C-A.
Other names: c.6C>A, p.Ser2Arg (NM_001363227.2, NM_001363228.2); c.-828C>A (NM_001363229.2); short protein forms S2R.
Identifiers: ClinVar variation 1978669 (VCV001978669.6), dbSNP rs535427008, ClinGen allele CA176095903.